The following is an entry in ClinVar:

ClinVar aggregate classification (germline): Uncertain significance (1 of 4 stars; one submission).

Conditions:
Hereditary cancer-predisposing syndrome. Also called: Neoplastic Syndromes, Hereditary; Tumor predisposition; Hereditary Cancer Syndrome; Hereditary neoplastic syndrome. Identifiers: Orphanet 140162, MedGen C0027672, MeSH D009386, MONDO:0015356.

Submission:

Ambry Genetics
Classification: Uncertain significance for Hereditary cancer-predisposing syndrome. Last evaluated: 2026-02-12. Review status: criteria provided, single submitter. Criteria: Ambry Variant Classification Scheme 2023. Collection method: clinical testing. Allele origin: germline.
Comment: The p.S445T variant (also known as c.1333T>A), located in coding exon 10 of the SDHA gene, results from a T to A substitution at nucleotide position 1333. The serine at codon 445 is replaced by threonine, an amino acid with similar properties. This amino acid position is highly conserved in available vertebrate species. In addition, the in silico prediction for this alteration is inconclusive. Based on the available evidence, the clinical significance of this variant remains unclear.

NM_004168.4(SDHA):c.1333T>A (p.Ser445Thr)

Gene: SDHA (succinate dehydrogenase complex flavoprotein subunit A; plus strand). Cytogenetic location: 5p15.33.
Variant type: single nucleotide variant.
Coding change: c.1333T>A on transcript NM_004168.4 (MANE Select); coding-DNA position 1333, T replaced by A.
Protein change: p.Ser445Thr; replaces serine 445 with threonine.
Molecular consequence: missense variant.
Genome position (GRCh38, 1-based): chr5:236,500, T>A. VCF-style: chr5-236500-T-A. GRCh37 (hg19) VCF-style: chr5-236615-T-A.
Other names: c.1189T>A, p.Ser397Thr (NM_001294332.2); c.1333T>A, p.Ser445Thr (NM_001330758.2); short protein forms S445T, S397T.
Identifiers: ClinVar variation 4825101 (VCV004825101.1).